The following is an entry in ClinVar:

NM_004484.4(GPC3):c.381T>A (p.Asn127Lys)

Gene: GPC3 (glypican 3; minus strand). Cytogenetic location: Xq26.2.
Variant type: single nucleotide variant.
Coding change: c.381T>A on transcript NM_004484.4 (MANE Select); coding-DNA position 381, T replaced by A.
Protein change: p.Asn127Lys; replaces asparagine 127 with lysine.
Molecular consequence: missense variant.
Genome position (GRCh38, 1-based): chrX:133,754,133, A>T on the plus strand (T>A on the coding strand, the complement: GPC3 is on the minus strand). VCF-style: chrX-133754133-A-T. GRCh37 (hg19) VCF-style: chrX-132888160-A-T.
Other names: c.381T>A, p.Asn127Lys (NM_001164617.2); c.333T>A, p.Asn111Lys (NM_001164618.2); c.219T>A, p.Asn73Lys (NM_001164619.2); short protein forms N111K, N73K, N127K.
Identifiers: ClinVar variation 1519676 (VCV001519676.6), dbSNP rs2124480908, ClinGen allele CA414706767.

ClinVar aggregate classification (germline): Uncertain significance (1 of 4 stars; one submission).

Conditions:
Wilms tumor 1 (WT1). Also called: Wilms tumor, somatic. Identifiers: Orphanet 654, MedGen CN033288, MONDO:0008679, OMIM 194070.

Submission:

Labcorp Genetics (formerly Invitae), Labcorp
Classification: Uncertain significance for Wilms tumor 1. Last evaluated: 2022-10-03. Review status: criteria provided, single submitter. Criteria: Invitae Variant Classification Sherloc (09022015). Collection method: clinical testing. Allele origin: germline.
Comment: Advanced modeling of protein sequence and biophysical properties (such as structural, functional, and spatial information, amino acid conservation, physicochemical variation, residue mobility, and thermodynamic stability) performed at Invitae indicates that this missense variant is not expected to disrupt GPC3 protein function. ClinVar contains an entry for this variant (Variation ID: 1519676). This variant has not been reported in the literature in individuals affected with GPC3-related conditions. This variant is not present in population databases (gnomAD no frequency). This sequence change replaces asparagine, which is neutral and polar, with lysine, which is basic and polar, at codon 127 of the GPC3 protein (p.Asn127Lys). In summary, the available evidence is currently insufficient to determine the role of this variant in disease. Therefore, it has been classified as a Variant of Uncertain Significance.